The following is an entry in ClinVar:

ClinVar aggregate classification (germline): Uncertain significance (1 of 4 stars; one submission).

Conditions:
UNC79-related disorder. Also called: UNC79-related condition.

gnomAD v4.1: 1 of 1,612,710 alleles (0.000062%); highest among the groups gnomAD compares: Admixed American, 0.0017%; no homozygotes.

Submission:

3billion
Classification: Uncertain significance for UNC79-related disorder. Last evaluated: 2026-01-27. Review status: criteria provided, single submitter. Criteria: ACMG Guidelines, 2015. Collection method: clinical testing. Allele origin: germline. Affected: yes.
Comment: The variant is observed at an extremely low frequency in the gnomAD v4.1.0 dataset (total allele frequency: <0.001%). Predicted Consequence/Location: Missense variant In silico tools predict the variant to alter splicing and produce an abnormal transcript [SpliceAI: 0.87 (>=0.2, moderate evidence for spliceogenicity)]. Therefore, this variant is classified as VUS according to the recommendation of ACMG/AMP guideline.

NM_001395159.1(UNC79):c.1513A>G (p.Ile505Val)

Gene: UNC79 (unc-79 subunit of NALCN channel complex; plus strand). Cytogenetic location: 14q32.12.
Variant type: single nucleotide variant.
Coding change: c.1513A>G on transcript NM_001395159.1 (MANE Select); coding-DNA position 1513, A replaced by G.
Protein change: p.Ile505Val; replaces isoleucine 505 with valine.
Molecular consequence: missense variant.
Genome position (GRCh38, 1-based): chr14:93,540,820, A>G. VCF-style: chr14-93540820-A-G. GRCh37 (hg19) VCF-style: chr14-94007166-A-G.
Other names: c.1513A>G, p.Ile505Val (NM_001346218.2); c.982A>G, p.Ile328Val (NM_020818.5); short protein forms I328V, I505V.
Identifiers: ClinVar variation 4856320 (VCV004856320.1).
Genomic context (GRCh38, chr14:93,540,820, plus strand): 5'-GCTGACTTTGATAACAAGGACGATGATAAACACGATCAGAGGCTGCTCAGTCAATTCGGA[A>G]TATGGTTCTTAGTAAGAAAAAGAAGTTAACTATTCTCCACTTTCTTATTTCTCATTTCAA-3'
Protein context (NP_001382088.1, residues 495-515): HDQRLLSQFG[Ile505Val]WFLVSLCTPS